The following is an entry in ClinVar:

ClinVar aggregate classification (germline): Likely benign (0 of 4 stars; one submission).

Conditions:
PLXNA4-related disorder. Also called: PLXNA4-related condition.

Allele frequency attached by ClinVar (database versions not stated): TOPMed below 0.00001.
gnomAD v4.1: 7 of 1,614,126 alleles (0.00043%); highest among the groups gnomAD compares: Non-Finnish European, 0.00059%; no homozygotes.

Submission:

PreventionGenetics, part of Exact Sciences
Classification: Likely benign for PLXNA4-related condition. Last evaluated: 2022-02-08. Review status: no assertion criteria provided. Collection method: clinical testing. Allele origin: germline.
Comment: This variant is classified as likely benign based on ACMG/AMP sequence variant interpretation guidelines (Richards et al. 2015 PMID: 25741868, with internal and published modifications).

NM_020911.2(PLXNA4):c.1108C>A (p.Arg370=)

Gene: PLXNA4 (plexin A4; minus strand). Cytogenetic location: 7q32.3.
Variant type: single nucleotide variant.
Coding change: c.1108C>A on transcript NM_020911.2 (MANE Select); coding-DNA position 1108, C replaced by A.
Protein change: p.Arg370=; no amino-acid change (arginine 370 retained).
Molecular consequence: synonymous variant.
Genome position (GRCh38, 1-based): chr7:132,507,586, G>T on the plus strand (C>A on the coding strand, the complement: PLXNA4 is on the minus strand). VCF-style: chr7-132507586-G-T. GRCh37 (hg19) VCF-style: chr7-132192345-G-T.
Other names: c.1108C>A, p.Arg370= (NM_001105543.2, NM_001393897.1, NM_181775.4).
Identifiers: ClinVar variation 3054495 (VCV003054495.2), dbSNP rs748991545, ClinGen allele CA4490372.